The following is an entry in ClinVar:

ClinVar aggregate classification (germline): Uncertain significance (1 of 4 stars; one submission).

Allele frequency attached by ClinVar (database versions not stated): gnomAD 0.00001; gnomAD exomes 0.00001; TOPMed 0.00001.
gnomAD v4.1: 11 of 1,613,448 alleles (0.00068%); highest among the groups gnomAD compares: South Asian, 0.0011%; no homozygotes.

Submission:

Labcorp Genetics (formerly Invitae), Labcorp
Classification: Uncertain significance. Last evaluated: 2023-08-24. Review status: criteria provided, single submitter. Criteria: Invitae Variant Classification Sherloc (09022015). Collection method: clinical testing. Allele origin: germline.
Comment: This variant is not present in population databases (gnomAD no frequency). This sequence change replaces arginine, which is basic and polar, with cysteine, which is neutral and slightly polar, at codon 1126 of the TAOK2 protein (p.Arg1126Cys). In summary, the available evidence is currently insufficient to determine the role of this variant in disease. Therefore, it has been classified as a Variant of Uncertain Significance. An algorithm developed to predict the effect of missense changes on protein structure and function (PolyPhen-2) suggests that this variant is likely to be disruptive. This missense change has been observed in individual(s) with developmental disorder (PMID: 31785789).

Literature cited by the submitters: PubMed 31785789.

NM_016151.4(TAOK2):c.3376C>T (p.Arg1126Cys)

Gene: TAOK2 (TAO kinase 2; plus strand). Cytogenetic location: 16p11.2.
Variant type: single nucleotide variant.
Coding change: c.3376C>T on transcript NM_016151.4 (MANE Select); coding-DNA position 3376, C replaced by T.
Protein change: p.Arg1126Cys; replaces arginine 1126 with cysteine.
Molecular consequence: missense variant. On other transcripts: intron variant (1).
Genome position (GRCh38, 1-based): chr16:29,987,648, C>T. VCF-style: chr16-29987648-C-T. GRCh37 (hg19) VCF-style: chr16-29998969-C-T.
Other names: c.3037C>T, p.Arg1013Cys (NM_001252043.2); c.2232+1144C>T (NM_004783.4); short protein forms R1013C, R1126C.
Identifiers: ClinVar variation 2728084 (VCV002728084.2), dbSNP rs750925824, ClinGen allele CA280401008.